The following is an entry in ClinVar:

ClinVar aggregate classification (germline): Uncertain significance (1 of 4 stars; one submission).

Submission:

Labcorp Genetics (formerly Invitae), Labcorp
Classification: Uncertain significance. Last evaluated: 2024-11-11. Review status: criteria provided, single submitter. Criteria: Invitae Variant Classification Sherloc (09022015). Collection method: clinical testing. Allele origin: germline.
Comment: This sequence change replaces threonine, which is neutral and polar, with lysine, which is basic and polar, at codon 2427 of the USH2A protein (p.Thr2427Lys). This variant is not present in population databases (gnomAD no frequency). This variant has not been reported in the literature in individuals affected with USH2A-related conditions. ClinVar contains an entry for this variant (Variation ID: 963879). Invitae Evidence Modeling of protein sequence and biophysical properties (such as structural, functional, and spatial information, amino acid conservation, physicochemical variation, residue mobility, and thermodynamic stability) indicates that this missense variant is not expected to disrupt USH2A protein function with a negative predictive value of 95%. In summary, the available evidence is currently insufficient to determine the role of this variant in disease. Therefore, it has been classified as a Variant of Uncertain Significance.

NM_206933.4(USH2A):c.7280C>A (p.Thr2427Lys)

Gene: USH2A (usherin; minus strand). Cytogenetic location: 1q41.
Variant type: single nucleotide variant.
Coding change: c.7280C>A on transcript NM_206933.4 (MANE Select); coding-DNA position 7280, C replaced by A.
Protein change: p.Thr2427Lys; replaces threonine 2427 with lysine.
Molecular consequence: missense variant.
Genome position (GRCh38, 1-based): chr1:215,934,636, G>T on the plus strand (C>A on the coding strand, the complement: USH2A is on the minus strand). VCF-style: chr1-215934636-G-T. GRCh37 (hg19) VCF-style: chr1-216107978-G-T.
Other names: short protein forms T2427K.
Identifiers: ClinVar variation 963879 (VCV000963879.9), dbSNP rs1666445042, ClinGen allele CA344857202.